The following is an entry in ClinVar:

NM_058216.3(RAD51C):c.960G>A (p.Lys320=)

Gene: RAD51C (RAD51 paralog C; plus strand). Cytogenetic location: 17q22.
Variant type: single nucleotide variant.
Coding change: c.960G>A on transcript NM_058216.3 (MANE Select); coding-DNA position 960, G replaced by A.
Protein change: p.Lys320=; no amino-acid change (lysine 320 retained).
Molecular consequence: synonymous variant. On other transcripts: non-coding transcript variant (1).
Genome position (GRCh38, 1-based): chr17:58,724,095, G>A. VCF-style: chr17-58724095-G-A. GRCh37 (hg19) VCF-style: chr17-56801456-G-A.
Identifiers: ClinVar variation 764998 (VCV000764998.16), dbSNP rs864622395, ClinGen allele CA501075926.

ClinVar aggregate classification (germline): Benign/Likely benign. Review status: criteria provided, multiple submitters, no conflicts (2 of 4 stars). 3 submissions from 3 submitters: Benign (1); Likely benign (2). Last evaluated 2025-10-26.

Conditions:
Breast-ovarian cancer, familial, susceptibility to, 3. Also called: RAD51C-Related Breast/Ovarian Cancer. Identifiers: Orphanet 145, MedGen C3150659, MONDO:0013253, OMIM 613399.
Fanconi anemia complementation group O. Also called: RAD51C-Related Fanconi Anemia. Identifiers: Orphanet 84, MedGen C3150653, MONDO:0013248, OMIM 613390.
Hereditary cancer-predisposing syndrome. Also called: Tumor predisposition; Hereditary Cancer Syndrome; Neoplastic Syndromes, Hereditary; Hereditary neoplastic syndrome. Identifiers: Orphanet 140162, MedGen C0027672, MeSH D009386, MONDO:0015356.

Allele frequency attached by ClinVar (database versions not stated): gnomAD 0.00001.
gnomAD v4.1: 2 of 1,611,020 alleles (0.00012%); highest among the groups gnomAD compares: Admixed American, 0.0017%; no homozygotes.

Submissions (3):

Labcorp Genetics (formerly Invitae), Labcorp
Classification: Likely benign for Fanconi anemia complementation group O. Last evaluated: 2025-10-26. Review status: criteria provided, single submitter. Criteria: Invitae Variant Classification Sherloc (09022015). Collection method: clinical testing. Allele origin: germline.

Myriad Genetics, Inc.
Classification: Benign for Breast-ovarian cancer, familial, susceptibility to, 3. Last evaluated: 2025-02-19. Review status: criteria provided, single submitter. Criteria: Myriad Autosomal Dominant, Autosomal Recessive and X-Linked Classification Criteria (2023). Collection method: clinical testing. Allele origin: unknown.
Comment: This variant is considered benign. This variant is a silent/synonymous amino acid change and it is not expected to impact splicing.

Ambry Genetics
Classification: Likely benign for Hereditary cancer-predisposing syndrome. Last evaluated: 2019-04-08. Review status: criteria provided, single submitter. Criteria: Ambry Variant Classification Scheme 2023. Collection method: clinical testing. Allele origin: germline.